The following is an entry in ClinVar:

NM_032539.5(SLITRK2):c.1576C>T (p.Leu526=)

Gene: SLITRK2 (SLIT and NTRK like family member 2; plus strand). Cytogenetic location: Xq27.3.
Variant type: single nucleotide variant.
Coding change: c.1576C>T on transcript NM_032539.5 (MANE Select); coding-DNA position 1576, C replaced by T.
Protein change: p.Leu526=; no amino-acid change (leucine 526 retained).
Molecular consequence: synonymous variant.
Genome position (GRCh38, 1-based): chrX:145,824,001, C>T. VCF-style: chrX-145824001-C-T. GRCh37 (hg19) VCF-style: chrX-144905519-C-T.
Other names: c.1576C>T, p.Leu526= (NM_001144003.3, NM_001144004.3, NM_001144005.3 and 4 more transcripts).
Identifiers: ClinVar variation 4822455 (VCV004822455.4).

ClinVar aggregate classification (germline): Uncertain significance (1 of 4 stars; one submission).

Submission:

CeGaT Center for Human Genetics Tuebingen
Classification: Uncertain significance. Last evaluated: 2025-12-01. Review status: criteria provided, single submitter. Criteria: CeGaT Center For Human Genetics Tuebingen Variant Classification Criteria Version 2. Collection method: clinical testing. Allele origin: germline. Affected: yes. Observed: 1 variant allele.
Comment: SLITRK2: PM2:Supporting, BP4